The following is an entry in ClinVar:

ClinVar aggregate classification (germline): Pathogenic (1 of 4 stars; one submission).

Conditions:
Lynch syndrome 5 (LYNCH5). Also called: Colorectal cancer, hereditary nonpolyposis, type 5; Hereditary non-polyposis colorectal cancer, type 5. Identifiers: Orphanet 144, MedGen C1833477, MONDO:0013710, OMIM 614350. Disease mechanism: loss of function.

Submission:

Myriad Genetics, Inc.
Classification: Pathogenic for Lynch syndrome 5. Last evaluated: 2023-08-01. Review status: criteria provided, single submitter. Criteria: Myriad Autosomal Dominant, Autosomal Recessive and X-Linked Classification Criteria (2023). Collection method: clinical testing. Allele origin: unknown.
Comment: This variant is considered pathogenic. This variant creates a frameshift predicted to result in premature protein truncation.

NM_000179.3(MSH6):c.748del (p.Val250fs)

Gene: MSH6 (mutS homolog 6; plus strand). Cytogenetic location: 2p16.3.
Variant type: Deletion.
Coding change: c.748del on transcript NM_000179.3 (MANE Select); coding-DNA position 748, one base deleted (G; older notation c.748delG).
Protein change: p.Val250fs; shifts the reading frame from valine 250.
Molecular consequence: frameshift variant. On other transcripts: 5 prime UTR variant (9), non-coding transcript variant (4), intron variant (1).
Genome position (GRCh38, 1-based): chr2:47,798,731, G deleted; the last of 3 consecutive G bases (chr2:47,798,729-47,798,731); deleting any one gives the same sequence. VCF-style (leftmost placement, unchanged base first): chr2-47798728-AG-A. GRCh37 (hg19) VCF-style: chr2-48025867-AG-A.
Other names: c.358del, p.Val120fs (NM_001281492.2); c.-159del (NM_001281493.2, NM_001281494.2, NM_001406811.1 and 6 more transcripts); c.844del, p.Val282fs (NM_001406795.1, NM_001406802.1); c.748del, p.Val250fs (NM_001406796.1, NM_001406798.1, NM_001406800.1 and 4 more transcripts); c.451del, p.Val151fs (NM_001406797.1, NM_001406801.1, NM_001406805.1 and 10 more transcripts); c.223del, p.Val75fs (NM_001406799.1, NM_001406806.1, NM_001406807.1); c.670del, p.Val224fs (NM_001406804.1); c.754del, p.Val252fs (NM_001406813.1); and 2 more; short protein forms V120fs, V151fs, V194fs, V224fs, V250fs, V252fs, V282fs, V75fs.
Identifiers: ClinVar variation 2673778 (VCV002673778.1), dbSNP rs2530569406, ClinGen allele CA2695200244.
Genomic context (GRCh38, chr2:47,798,728, plus strand): 5'-GAGGAAGTACAGCCTAAGACACAAGGATCTAGGCGAAGTAGCCGCCAAATAAAAAAACGA[AG>A]GGTCATATCAGATTCTGAGAGTGACATTGGTGGCTCTGATGTGGAATTTAAGCCAGACAC-3'